The following is an entry in ClinVar:

NM_001008216.2(GALE):c.330C>T (p.Thr110=)

Gene: GALE (UDP-galactose-4-epimerase; minus strand). Cytogenetic location: 1p36.11.
Variant type: single nucleotide variant.
Coding change: c.330C>T on transcript NM_001008216.2 (MANE Select); coding-DNA position 330, C replaced by T.
Protein change: p.Thr110=; no amino-acid change (threonine 110 retained).
Molecular consequence: synonymous variant.
Genome position (GRCh38, 1-based): chr1:23,798,138, G>A on the plus strand (C>T on the coding strand, the complement: GALE is on the minus strand). VCF-style: chr1-23798138-G-A. GRCh37 (hg19) VCF-style: chr1-24124628-G-A.
Other names: c.330C>T, p.Thr110= (NM_000403.4, NM_001127621.2).
Identifiers: ClinVar variation 296837 (VCV000296837.16), dbSNP rs377557637, ClinGen allele CA685697.
Genomic context (GRCh38, chr1:23,798,138, plus strand): 5'-CACCCTCCTAGTGTCTGTGCCCTGTCCCATGCCTCTCACCTCCAGAAGCTGGATGGTCCC[G>A]GTCAGGTTAACTCTGTAATAATCCAGAGGCTTCTGCACCGACTCGCCCACGGCCTTGAGC-3'
Protein context (NP_001008217.1, residues 100-120): KPLDYYRVNL[Thr110=]GTIQLLEIMK

ClinVar aggregate classification (germline): Conflicting classifications of pathogenicity. Review status: criteria provided, conflicting classifications (1 of 4 stars). 3 submissions from 3 submitters: Uncertain significance (1); Likely benign (2). Last evaluated 2026-05-11.

Conditions:
GALE-related disorder. Also called: GALE-related condition.
UDPglucose-4-epimerase deficiency. Also called: Galactose epimerase deficiency; UDP-GALACTOSE-4-EPIMERASE DEFICIENCY; UDPglucose 4-Epimerase Deficiency Disease; GALACTOSEMIA III; GALE DEFICIENCY; Epimerase Deficiency Galactosemia. Identifiers: Orphanet 352, Orphanet 79238, MedGen C0751161, MONDO:0009257, OMIM 230350.

Allele frequency attached by ClinVar (database versions not stated): ESP Exome Variant Server 0.00008; TOPMed 0.00014; ExAC 0.00015.
gnomAD v4.1: 193 of 1,613,794 alleles (0.012%); highest among the groups gnomAD compares: Middle Eastern, 0.082%; 1 homozygote.

Submissions (3):

PreventionGenetics, part of Exact Sciences
Classification: Likely benign for GALE-related condition. Last evaluated: 2026-05-11. Review status: criteria provided, single submitter. Criteria: ACMG Guidelines, 2015. Collection method: clinical testing. Allele origin: germline.
Comment: This variant is classified as likely benign based on ACMG/AMP sequence variant interpretation guidelines (Richards et al. 2015 PMID: 25741868, with internal and published modifications).

Labcorp Genetics (formerly Invitae), Labcorp
Classification: Likely benign for UDPglucose-4-epimerase deficiency. Last evaluated: 2026-01-16. Review status: criteria provided, single submitter. Criteria: Invitae Variant Classification Sherloc (09022015). Collection method: clinical testing. Allele origin: germline.

Illumina Laboratory Services, Illumina
Classification: Uncertain significance for UDPglucose-4-epimerase deficiency. Last evaluated: 2018-01-13. Review status: criteria provided, single submitter. Criteria: ICSL Variant Classification Criteria 13 December 2019. Collection method: clinical testing. Allele origin: germline.